The following is an entry in ClinVar:

NM_004484.4(GPC3):c.1359G>C (p.Lys453Asn)

Gene: GPC3 (glypican 3; minus strand). Cytogenetic location: Xq26.2.
Variant type: single nucleotide variant.
Coding change: c.1359G>C on transcript NM_004484.4 (MANE Select); coding-DNA position 1359, G replaced by C.
Protein change: p.Lys453Asn; replaces lysine 453 with asparagine.
Molecular consequence: missense variant.
Genome position (GRCh38, 1-based): chrX:133,661,784, C>G on the plus strand (G>C on the coding strand, the complement: GPC3 is on the minus strand). VCF-style: chrX-133661784-C-G. GRCh37 (hg19) VCF-style: chrX-132795812-C-G.
Other names: c.1428G>C, p.Lys476Asn (NM_001164617.2); c.1311G>C, p.Lys437Asn (NM_001164618.2); c.1197G>C, p.Lys399Asn (NM_001164619.2); short protein forms K453N, K399N, K476N, K437N.
Identifiers: ClinVar variation 577722 (VCV000577722.13), dbSNP rs148219256, ClinGen allele CA10520677.

ClinVar aggregate classification (germline): Conflicting classifications of pathogenicity. Review status: criteria provided, conflicting classifications (1 of 4 stars). 2 submissions from 2 submitters: Uncertain significance (1); Likely benign (1). Last evaluated 2025-10-26.

Conditions:
Wilms tumor 1 (WT1). Also called: Wilms tumor, somatic. Identifiers: Orphanet 654, MedGen CN033288, MONDO:0008679, OMIM 194070.

Allele frequency attached by ClinVar (database versions not stated): gnomAD exomes below 0.00001 and 0.00001; TOPMed 0.00001; ExAC 0.00002; gnomAD 0.00002; ESP Exome Variant Server 0.00019.
gnomAD v4.1: 6 of 1,198,378 alleles (0.0005%); highest among the groups gnomAD compares: African/African-American, 0.0036%; no homozygotes.

Submissions (2):

Labcorp Genetics (formerly Invitae), Labcorp
Classification: Likely benign for Wilms tumor 1. Last evaluated: 2025-10-26. Review status: criteria provided, single submitter. Criteria: Invitae Variant Classification Sherloc (09022015). Collection method: clinical testing. Allele origin: germline.

GeneDx
Classification: Uncertain significance. Last evaluated: 2024-08-25. Review status: criteria provided, single submitter. Criteria: GeneDx Variant Classification Process June 2021. Collection method: clinical testing. Allele origin: germline. Affected: yes.
Comment: In silico analysis supports that this missense variant has a deleterious effect on protein structure/function; Missense variant in a gene in which most reported pathogenic variants are truncating/loss-of-function; Has not been previously published as pathogenic or benign to our knowledge